The following is an entry in ClinVar:

NC_000005.9:g.(?_52394432)_(52405559_?)del

Gene: MOCS2 (molybdenum cofactor synthesis 2; minus strand). Cytogenetic location: 5q11.2.
Variant type: Deletion.
Identifiers: ClinVar variation 3246573 (VCV003246573.1).

ClinVar aggregate classification (germline): Pathogenic (1 of 4 stars; one submission).

Submission:

Labcorp Genetics (formerly Invitae), Labcorp
Classification: Pathogenic. Last evaluated: 2023-09-29. Review status: criteria provided, single submitter. Criteria: Invitae Variant Classification Sherloc (09022015). Collection method: clinical testing. Allele origin: unknown.
Comment: The MOCS2 gene encodes two different proteins which are translated from alternative transcripts, MOCS2A and MOCS2B, that have different open reading frames. This variant occurs in MOCS2A, and also corresponds to Deletion (Entire coding sequence) in MOCS2B. A gross deletion of the genomic region encompassing the full coding sequence of the MOCS2A gene has been identified. Loss-of-function variants in MOCS2A are known to be pathogenic (PMID: 21031595). The boundaries of this event are unknown as they extend beyond the assayed region for this gene and therefore may encompass additional genes. This variant has not been reported in the literature in individuals affected with MOCS2A-related conditions. For these reasons, this variant has been classified as Pathogenic. Please note, this variant is also classified as Pathogenic in MOCS2B.

Literature cited by the submitters: PubMed 21031595.